The following is an entry in ClinVar:

ClinVar aggregate classification (germline): Likely benign. Review status: criteria provided, multiple submitters, no conflicts (2 of 4 stars). 3 submissions from 3 submitters: Likely benign (3). Last evaluated 2025-12-20.

Conditions:
SLC24A1-related disorder. Also called: SLC24A1-related condition.

Allele frequency attached by ClinVar (database versions not stated): ExAC below 0.00001; gnomAD 0.00001; gnomAD exomes 0.00003 and 0.00006; TOPMed 0.00004; ESP Exome Variant Server 0.00008; 1000 Genomes Project 30x 0.00016.
gnomAD v4.1: 40 of 1,577,782 alleles (0.0025%); highest among the groups gnomAD compares: Admixed American, 0.013%; 1 homozygote.

Submissions (3):

Labcorp Genetics (formerly Invitae), Labcorp
Classification: Likely benign. Last evaluated: 2025-12-20. Review status: criteria provided, single submitter. Criteria: Invitae Variant Classification Sherloc (09022015). Collection method: clinical testing. Allele origin: germline.

PreventionGenetics, part of Exact Sciences
Classification: Likely benign for SLC24A1-related condition. Last evaluated: 2025-11-18. Review status: criteria provided, single submitter. Criteria: ACMG Guidelines, 2015. Collection method: clinical testing. Allele origin: germline.
Comment: This variant is classified as likely benign based on ACMG/AMP sequence variant interpretation guidelines (Richards et al. 2015 PMID: 25741868, with internal and published modifications).

Blueprint Genetics
Classification: Likely benign. Last evaluated: 2023-06-19. Review status: criteria provided, single submitter. Criteria: ACMG Guidelines, 2015. Collection method: clinical testing. Allele origin: germline.

NM_004727.3(SLC24A1):c.2172G>A (p.Thr724=)

Gene: SLC24A1 (solute carrier family 24 member 1; plus strand). Cytogenetic location: 15q22.31.
Variant type: single nucleotide variant.
Coding change: c.2172G>A on transcript NM_004727.3 (MANE Select); coding-DNA position 2172, G replaced by A.
Protein change: p.Thr724=; no amino-acid change (threonine 724 retained).
Molecular consequence: synonymous variant.
Genome position (GRCh38, 1-based): chr15:65,645,643, G>A. VCF-style: chr15-65645643-G-A. GRCh37 (hg19) VCF-style: chr15-65937981-G-A.
Other names: c.153G>A, p.Thr51= (NM_001254740.2); c.2172G>A, p.Thr724= (NM_001301031.1); c.2118G>A, p.Thr706= (NM_001301032.1, NM_001301033.2); c.2172G>A (NM_004727.2).
Identifiers: ClinVar variation 1005152 (VCV001005152.11), dbSNP rs367901309, ClinGen allele CA7620112.